The following is an entry in ClinVar:

ClinVar aggregate classification (germline): Uncertain significance (1 of 4 stars; one submission).

Conditions:
Hereditary cancer-predisposing syndrome. Also called: Tumor predisposition; Hereditary Cancer Syndrome; Neoplastic Syndromes, Hereditary; Hereditary neoplastic syndrome. Identifiers: Orphanet 140162, MedGen C0027672, MeSH D009386, MONDO:0015356.

Submission:

Ambry Genetics
Classification: Uncertain significance for Hereditary cancer-predisposing syndrome. Last evaluated: 2022-03-07. Review status: criteria provided, single submitter. Criteria: Ambry Variant Classification Scheme 2023. Collection method: clinical testing. Allele origin: germline.
Comment: The p.S10C variant (also known as c.28A>T), located in coding exon 1 of the PALB2 gene, results from an A to T substitution at nucleotide position 28. The serine at codon 10 is replaced by cysteine, an amino acid with dissimilar properties. This amino acid position is conserved. In addition, this alteration is predicted to be tolerated by in silico analysis. Since supporting evidence is limited at this time, the clinical significance of this alteration remains unclear.

NM_024675.4(PALB2):c.28A>T (p.Ser10Cys)

Gene: PALB2 (partner and localizer of BRCA2; minus strand). Cytogenetic location: 16p12.2.
Variant type: single nucleotide variant.
Coding change: c.28A>T on transcript NM_024675.4 (MANE Select); coding-DNA position 28, A replaced by T.
Protein change: p.Ser10Cys; replaces serine 10 with cysteine.
Molecular consequence: missense variant.
Genome position (GRCh38, 1-based): chr16:23,641,130, T>A on the plus strand (A>T on the coding strand, the complement: PALB2 is on the minus strand). VCF-style: chr16-23641130-T-A. GRCh37 (hg19) VCF-style: chr16-23652451-T-A.
Other names: c.28A>T, p.Ser10Cys (NM_001407296.1, NM_001407297.1, NM_001407298.1 and 5 more transcripts); c.-1716A>T (NM_001407304.1, NM_001407310.1); c.-992A>T (NM_001407305.1, NM_001407307.1, NM_001407309.1 and 1 more transcripts); c.-841A>T (NM_001407306.1, NM_001407308.1); c.-125A>T (NM_001407312.1, NM_001407313.1); short protein forms S10C.
Identifiers: ClinVar variation 1797409 (VCV001797409.2), dbSNP rs2142481164, ClinGen allele CA395141126.
Genomic context (GRCh38, chr16:23,641,130, plus strand): 5'-GGTCAGAGTCCTGCGTCCGCCCTTCCCGCACCCCCGGCACCTTTTCCTTCTCCTCACAGC[T>A]GAGGGGCTTCCCGGGAGGCTCGTCCATCGGGCAGGCGACAGAACGAAAAGAGCAGCCGTC-3'
Protein context (NP_078951.2, residues 1-20): MDEPPGKPL[Ser10Cys]CEEKEKLKEK